The following is an entry in ClinVar:

ClinVar aggregate classification (germline): Likely pathogenic. Review status: criteria provided, single submitter (1 of 4 stars). 2 submissions from 2 submitters: Likely pathogenic (1). 1 of the submissions does not count toward it. Last evaluated 2023-09-27.

Conditions:
Neuronal ceroid lipofuscinosis 1 (CLN1). Also called: CEROID LIPOFUSCINOSIS, NEURONAL, 1, VARIABLE AGE AT ONSET; PPT1-Related Neuronal Ceroid-Lipofuscinosis. Identifiers: Orphanet 228329, MedGen C1850451, MONDO:0009744, OMIM 256730.

Submissions (2):

Labcorp Genetics (formerly Invitae), Labcorp
Classification: Likely pathogenic for Neuronal ceroid lipofuscinosis 1. Last evaluated: 2023-09-27. Review status: criteria provided, single submitter. Criteria: Invitae Variant Classification Sherloc (09022015). Collection method: clinical testing. Allele origin: germline.
Comment: Algorithms developed to predict the effect of sequence changes on RNA splicing suggest that this variant may disrupt the consensus splice site. In summary, the currently available evidence indicates that the variant is pathogenic, but additional data are needed to prove that conclusively. Therefore, this variant has been classified as Likely Pathogenic. ClinVar contains an entry for this variant (Variation ID: 552006). This variant has not been reported in the literature in individuals affected with PPT1-related conditions. This variant is not present in population databases (gnomAD no frequency). This sequence change affects an acceptor splice site in intron 3 of the PPT1 gene. It is expected to disrupt RNA splicing. Variants that disrupt the donor or acceptor splice site typically lead to a loss of protein function (PMID: 16199547), and loss-of-function variants in PPT1 are known to be pathogenic (PMID: 10679943, 21990111).

Counsyl
Classification: Likely pathogenic for Neuronal ceroid lipofuscinosis 1. Last evaluated: 2017-05-18. Review status: no assertion criteria provided. Collection method: clinical testing. Allele origin: unknown. Not counted in ClinVar's aggregate classification.

Literature cited by the submitters: PubMed 16199547 (cited by Labcorp Genetics (formerly Invitae), Labcorp); PubMed 10679943 (cited by Labcorp Genetics (formerly Invitae), Labcorp); PubMed 21990111 (cited by Labcorp Genetics (formerly Invitae), Labcorp).

NM_000310.4(PPT1):c.363-2A>G

Gene: PPT1 (palmitoyl-protein thioesterase 1; minus strand). Cytogenetic location: 1p34.2.
Variant type: single nucleotide variant.
Coding change: c.363-2A>G on transcript NM_000310.4 (MANE Select); the canonical splice acceptor site of the intron before coding-DNA position 363, A replaced by G.
Molecular consequence: splice acceptor variant. On other transcripts: intron variant (1).
Genome position (GRCh38, 1-based): chr1:40,091,401, T>C on the plus strand (A>G on the coding strand, the complement: PPT1 is on the minus strand). VCF-style: chr1-40091401-T-C. GRCh37 (hg19) VCF-style: chr1-40557073-T-C.
Other names: c.125-1889A>G (NM_001142604.2); c.363-2A>G (NM_001363695.2).
Identifiers: ClinVar variation 552006 (VCV000552006.5), dbSNP rs1553167430, ClinGen allele CA339848944.